The following is an entry in ClinVar:

ClinVar aggregate classification (germline): Uncertain significance (1 of 4 stars; one submission).

Submission:

GeneDx
Classification: Uncertain significance. Last evaluated: 2025-03-15. Review status: criteria provided, single submitter. Criteria: GeneDx Variant Classification Process June 2021. Collection method: clinical testing. Allele origin: germline. Affected: yes.
Comment: Not observed at significant frequency in large population cohorts (gnomAD); In silico analysis supports that this missense variant has a deleterious effect on protein structure/function; Has not been previously published as pathogenic or benign to our knowledge

NM_020928.2(ZSWIM6):c.2165T>A (p.Leu722His)

Gene: ZSWIM6 (zinc finger SWIM-type containing 6; plus strand). Cytogenetic location: 5q12.1.
Variant type: single nucleotide variant.
Coding change: c.2165T>A on transcript NM_020928.2 (MANE Select); coding-DNA position 2165, T replaced by A.
Protein change: p.Leu722His; replaces leucine 722 with histidine.
Molecular consequence: missense variant.
Genome position (GRCh38, 1-based): chr5:61,531,645, T>A. VCF-style: chr5-61531645-T-A. GRCh37 (hg19) VCF-style: chr5-60827472-T-A.
Other names: short protein forms L722H.
Identifiers: ClinVar variation 4083298 (VCV004083298.1).